The following is an entry in ClinVar:

ClinVar aggregate classification (germline): Uncertain significance (1 of 4 stars; one submission).

Conditions:
Baller-Gerold syndrome (BGS). Also called: CRANIOSYNOSTOSIS WITH RADIAL DEFECTS. Identifiers: Orphanet 1225, MedGen C0265308, MONDO:0009039, OMIM 218600.

Submission:

Labcorp Genetics (formerly Invitae), Labcorp
Classification: Uncertain significance for Baller-Gerold syndrome. Last evaluated: 2021-04-14. Review status: criteria provided, single submitter. Criteria: Invitae Variant Classification Sherloc (09022015). Collection method: clinical testing. Allele origin: germline.
Comment: In summary, the available evidence is currently insufficient to determine the role of this variant in disease. Therefore, it has been classified as a Variant of Uncertain Significance. Experimental studies and prediction algorithms are not available or were not evaluated, and the functional significance of this variant is currently unknown. This variant has not been reported in the literature in individuals with RECQL4-related conditions. The frequency data for this variant in the population databases is considered unreliable, as metrics indicate insufficient coverage at this position in the ExAC database. This sequence change replaces aspartic acid with valine at codon 6 of the RECQL4 protein (p.Asp6Val). The aspartic acid residue is moderately conserved and there is a large physicochemical difference between aspartic acid and valine.

NM_004260.4(RECQL4):c.17A>T (p.Asp6Val)

Genes: RECQL4 (RecQ like helicase 4; minus strand), LOC130001411 (ATAC-STARR-seq lymphoblastoid silent region 19699; plus strand). Cytogenetic location: 8q24.3.
Variant type: single nucleotide variant.
Coding change: c.17A>T on transcript NM_004260.4 (MANE Select); coding-DNA position 17, A replaced by T.
Protein change: p.Asp6Val; replaces aspartic acid 6 with valine.
Molecular consequence: missense variant.
Genome position (GRCh38, 1-based): chr8:144,517,768, T>A on the plus strand (A>T on the coding strand, the complement: RECQL4 is on the minus strand). VCF-style: chr8-144517768-T-A. GRCh37 (hg19) VCF-style: chr8-145743152-T-A.
Other names: short protein forms D6V.
Identifiers: ClinVar variation 1442136 (VCV001442136.6), dbSNP rs1815445943, ClinGen allele CA372693984.